The following is an entry in ClinVar:

ClinVar aggregate classification (germline): Uncertain significance. Review status: criteria provided, multiple submitters, no conflicts (2 of 4 stars). 2 submissions from 2 submitters: Uncertain significance (2). Last evaluated 2023-06-01.

Conditions:
Dystonic disorder. Also called: Dystonia. Identifiers: MedGen C0013421, MONDO:0003441, HP:0001332.
Inborn genetic diseases. Identifiers: MedGen C0950123, MeSH D030342.

Allele frequency attached by ClinVar (database versions not stated): ExAC 0.00001; gnomAD 0.00002; TOPMed 0.00002; 1000 Genomes Project 0.00020; 1000 Genomes Project 30x 0.00031.
gnomAD v4.1: 22 of 1,612,616 alleles (0.0014%); highest among the groups gnomAD compares: Non-Finnish European, 0.0018%; no homozygotes.

Submissions (2):

Ambry Genetics
Classification: Uncertain significance for Inborn genetic diseases. Last evaluated: 2023-06-01. Review status: criteria provided, single submitter. Criteria: Ambry Variant Classification Scheme 2023. Collection method: clinical testing. Allele origin: germline.

Labcorp Genetics (formerly Invitae), Labcorp
Classification: Uncertain significance for Dystonic disorder. Last evaluated: 2022-04-06. Review status: criteria provided, single submitter. Criteria: Invitae Variant Classification Sherloc (09022015). Collection method: clinical testing. Allele origin: germline.
Comment: In summary, the available evidence is currently insufficient to determine the role of this variant in disease. Therefore, it has been classified as a Variant of Uncertain Significance. Advanced modeling of protein sequence and biophysical properties (such as structural, functional, and spatial information, amino acid conservation, physicochemical variation, residue mobility, and thermodynamic stability) performed at Invitae indicates that this missense variant is expected to disrupt ANO3 protein function. This variant has not been reported in the literature in individuals affected with ANO3-related conditions. This variant is present in population databases (rs199929076, gnomAD 0.002%). This sequence change replaces arginine, which is basic and polar, with histidine, which is basic and polar, at codon 514 of the ANO3 protein (p.Arg514His).

NM_031418.4(ANO3):c.1541G>A (p.Arg514His)

Gene: ANO3 (anoctamin 3; plus strand). Cytogenetic location: 11p14.2.
Variant type: single nucleotide variant.
Coding change: c.1541G>A on transcript NM_031418.4 (MANE Select); coding-DNA position 1541, G replaced by A.
Protein change: p.Arg514His; replaces arginine 514 with histidine.
Molecular consequence: missense variant.
Genome position (GRCh38, 1-based): chr11:26,598,868, G>A. VCF-style: chr11-26598868-G-A. GRCh37 (hg19) VCF-style: chr11-26620415-G-A.
Other names: c.1724G>A, p.Arg575His (NM_001313726.2); c.1103G>A, p.Arg368His (NM_001313727.2); c.1541G>A (NM_031418.2); short protein forms R368H, R575H, R514H.
Identifiers: ClinVar variation 2148926 (VCV002148926.6), dbSNP rs199929076, ClinGen allele CA5926279.
Genomic context (GRCh38, chr11:26,598,868, plus strand): 5'-TTTTTTAGTTTATGGCTTTGATATTTAGATAACTTTCGTTTCTCTCATAGGAAACACTTC[G>A]TCCCCAGTTTGAAGCCAAGTATTACAAGATGGAGATTGTAAATCCCATCACGGGAAAACC-3'
Protein context (NP_113606.2, residues 504-524): IEWEEEEETL[Arg514His]PQFEAKYYKM